The following is an entry in ClinVar:

NM_004491.5(ARHGAP35):c.2915G>T (p.Arg972Leu)

Gene: ARHGAP35 (Rho GTPase activating protein 35; plus strand). Cytogenetic location: 19q13.32.
Variant type: single nucleotide variant.
Coding change: c.2915G>T on transcript NM_004491.5 (MANE Select); coding-DNA position 2915, G replaced by T.
Protein change: p.Arg972Leu; replaces arginine 972 with leucine.
Molecular consequence: missense variant.
Genome position (GRCh38, 1-based): chr19:46,921,590, G>T. VCF-style: chr19-46921590-G-T. GRCh37 (hg19) VCF-style: chr19-47424847-G-T.
Other names: short protein forms R972L.
Identifiers: ClinVar variation 4879536 (VCV004879536.1).
Genomic context (GRCh38, chr19:46,921,590, plus strand): 5'-ATATGTACGATAATGCTGCCGAGGCCTGTAGCACCACCGAAGAGGTGTTTAACTCCCCCC[G>T]GGCAGGATCACCGCTCTGCAACTCAAACCTGCAGGATTCAGAAGAAGATATCGAGCCATC-3'
Protein context (NP_004482.4, residues 962-982): STTEEVFNSP[Arg972Leu]AGSPLCNSNL

ClinVar aggregate classification (germline): Uncertain significance (1 of 4 stars; one submission).

Submission:

Clinical Genomics Laboratory, Washington University in St. Louis
Classification: Uncertain significance. Last evaluated: 2025-11-15. Review status: criteria provided, single submitter. Criteria: ACMG Guidelines, 2015. Collection method: clinical testing. Allele origin: germline.
Comment: The ARHGAP35 c.2915G>T (p.Arg972Leu) variant, to our knowledge, has not been reported in the medical literature. This variant is absent from the general population (gnomAD v.4.1.0), indicating it is not a common variant. Computational predictors suggest that the variant does not impact ARHGAP35 function. Due to limited information, the clinical significance of this variant is uncertain.